The following is an entry in ClinVar:

ClinVar aggregate classification (germline): Conflicting classifications of pathogenicity. Review status: criteria provided, conflicting classifications (1 of 4 stars). 2 submissions from 2 submitters: Uncertain significance (1); Likely benign (1). Last evaluated 2024-09-16.

Conditions:
Charcot-Marie-Tooth disease type 4. Also called: Charcot-Marie-Tooth disease, type IV; Charcot-Marie-Tooth, Type 4. Identifiers: Orphanet 64749, MedGen C4082197, MONDO:0018995.

Allele frequency attached by ClinVar (database versions not stated): gnomAD exomes below 0.00001; gnomAD 0.00001; TOPMed 0.00002.
gnomAD v4.1: 5 of 1,530,928 alleles (0.00033%); highest among the groups gnomAD compares: Non-Finnish European, 0.00045%; no homozygotes.

Submissions (2):

Labcorp Genetics (formerly Invitae), Labcorp
Classification: Likely benign for Charcot-Marie-Tooth disease type 4. Last evaluated: 2024-09-16. Review status: criteria provided, single submitter. Criteria: Invitae Variant Classification Sherloc (09022015). Collection method: clinical testing. Allele origin: germline.

CeGaT Center for Human Genetics Tuebingen
Classification: Uncertain significance. Last evaluated: 2024-04-01. Review status: criteria provided, single submitter. Criteria: CeGaT Center For Human Genetics Tuebingen Variant Classification Criteria Version 2. Collection method: clinical testing. Allele origin: germline. Affected: yes. Observed: 1 variant allele.
Comment: FIG4: PM2, BP4

NM_014845.6(FIG4):c.876+8G>A

Gene: FIG4 (FIG4 phosphoinositide 5-phosphatase; plus strand). Cytogenetic location: 6q21.
Variant type: single nucleotide variant.
Coding change: c.876+8G>A on transcript NM_014845.6 (MANE Select); 8 bases into the intron after coding-DNA position 876, G replaced by A.
Molecular consequence: intron variant.
Genome position (GRCh38, 1-based): chr6:109,741,552, G>A. VCF-style: chr6-109741552-G-A. GRCh37 (hg19) VCF-style: chr6-110062755-G-A.
Identifiers: ClinVar variation 747782 (VCV000747782.30), dbSNP rs923581334, ClinGen allele CA145136160.